The following is an entry in ClinVar:

ClinVar aggregate classification (germline): Uncertain significance (1 of 4 stars; one submission).

gnomAD v4.1: 1 of 1,609,940 alleles (0.000062%); no homozygotes.

Submission:

Labcorp Genetics (formerly Invitae), Labcorp
Classification: Uncertain significance. Last evaluated: 2024-02-28. Review status: criteria provided, single submitter. Criteria: Invitae Variant Classification Sherloc (09022015). Collection method: clinical testing. Allele origin: germline.
Comment: This sequence change replaces glycine, which is neutral and non-polar, with valine, which is neutral and non-polar, at codon 1060 of the MYO6 protein (p.Gly1060Val). This variant is present in population databases (no rsID available, gnomAD 0.003%). This variant has not been reported in the literature in individuals affected with MYO6-related conditions. An algorithm developed to predict the effect of missense changes on protein structure and function (PolyPhen-2) suggests that this variant is likely to be tolerated. In summary, the available evidence is currently insufficient to determine the role of this variant in disease. Therefore, it has been classified as a Variant of Uncertain Significance.

NM_004999.4(MYO6):c.3179G>T (p.Gly1060Val)

Gene: MYO6 (myosin VI; plus strand). Cytogenetic location: 6q14.1.
Variant type: single nucleotide variant.
Coding change: c.3179G>T on transcript NM_004999.4 (MANE Select); coding-DNA position 3179, G replaced by T.
Protein change: p.Gly1060Val; replaces glycine 1060 with valine.
Molecular consequence: missense variant. On other transcripts: non-coding transcript variant (1).
Genome position (GRCh38, 1-based): chr6:75,907,607, G>T. VCF-style: chr6-75907607-G-T. GRCh37 (hg19) VCF-style: chr6-76617324-G-T.
Other names: c.3110G>T, p.Gly1037Val (NM_001300899.2, NM_001368136.1); c.3167G>T, p.Gly1056Val (NM_001368137.1); c.3095G>T, p.Gly1032Val (NM_001368138.1); c.3206G>T, p.Gly1069Val (NM_001368865.1, NM_001368866.1); short protein forms G1056V, G1032V, G1060V, G1069V, G1037V.
Identifiers: ClinVar variation 3683966 (VCV003683966.2).